The following is an entry in ClinVar:

ClinVar aggregate classification (germline): Uncertain significance. Review status: criteria provided, multiple submitters, no conflicts (2 of 4 stars). 3 submissions from 3 submitters: Uncertain significance (3). Last evaluated 2025-11-26.

Conditions:
Hereditary cancer-predisposing syndrome. Also called: Hereditary neoplastic syndrome; Neoplastic Syndromes, Hereditary; Tumor predisposition; Hereditary Cancer Syndrome. Identifiers: Orphanet 140162, MedGen C0027672, MeSH D009386, MONDO:0015356.
Fanconi anemia complementation group O. Also called: RAD51C-Related Fanconi Anemia. Identifiers: Orphanet 84, MedGen C3150653, MONDO:0013248, OMIM 613390.

Allele frequency attached by ClinVar (database versions not stated): gnomAD 0.00001; TOPMed below 0.00001.
gnomAD v4.1: 2 of 1,611,370 alleles (0.00012%); highest among the groups gnomAD compares: African/African-American, 0.0027%; no homozygotes.

Submissions (3):

Labcorp Genetics (formerly Invitae), Labcorp
Classification: Uncertain significance for Fanconi anemia complementation group O. Last evaluated: 2025-11-26. Review status: criteria provided, single submitter. Criteria: Invitae Variant Classification Sherloc (09022015). Collection method: clinical testing. Allele origin: germline.
Comment: This sequence change replaces valine, which is neutral and non-polar, with leucine, which is neutral and non-polar, at codon 298 of the RAD51C protein (p.Val298Leu). This variant is not present in population databases (gnomAD no frequency). This missense change has been observed in individual(s) with breast and/or ovarian cancer (PMID: 29470806, 35534704). ClinVar contains an entry for this variant (Variation ID: 484758). Invitae Evidence Modeling of protein sequence and biophysical properties (such as structural, functional, and spatial information, amino acid conservation, physicochemical variation, residue mobility, and thermodynamic stability) has been performed for this missense variant. However, the output from this modeling did not meet the statistical confidence thresholds required to predict the impact of this variant on RAD51C protein function. In summary, the available evidence is currently insufficient to determine the role of this variant in disease. Therefore, it has been classified as a Variant of Uncertain Significance.

Ambry Genetics
Classification: Uncertain significance for Hereditary cancer-predisposing syndrome. Last evaluated: 2024-06-26. Review status: criteria provided, single submitter. Criteria: Ambry Variant Classification Scheme 2023. Collection method: clinical testing. Allele origin: germline.
Comment: The p.V298L variant (also known as c.892G>C), located in coding exon 6 of the RAD51C gene, results from a G to C substitution at nucleotide position 892. The valine at codon 298 is replaced by leucine, an amino acid with highly similar properties. This variant was observed in a study of 1010 unrelated Indian patients with breast and/or ovarian cancer (Singh J et al. Breast Cancer Res Treat, 2018 Jul;170:189-196). This amino acid position is well conserved in available vertebrate species. In addition, this alteration is predicted to be tolerated by in silico analysis. Based on the available evidence, the clinical significance of this variant remains unclear.

Women's Health and Genetics/Laboratory Corporation of America, LabCorp
Classification: Uncertain significance. Last evaluated: 2023-07-24. Review status: criteria provided, single submitter. Criteria: LabCorp Variant Classification Summary - May 2015. Collection method: clinical testing. Allele origin: germline.
Comment: Variant summary: RAD51C c.892G>C (p.Val298Leu) results in a conservative amino acid change located in the DNA recombination and repair protein Rad51-like, C-terminal domain (IPR013632) of the encoded protein sequence. Three of five in-silico tools predict a benign effect of the variant on protein function. The variant was absent in 251048 control chromosomes. The available data on variant occurrences in the general population are insufficient to allow any conclusion about variant significance. c.892G>C has been reported in the literature in at least one individual affected with breast and/or ovarian cancer (e.g., Singh_2018), however this report does not provide unequivocal conclusions about association of the variant with Hereditary Breast And Ovarian Cancer Syndrome. To our knowledge, no experimental evidence demonstrating an impact on protein function has been reported. The following publication has been ascertained in the context of this evaluation (PMID: 29470806). Two submitters have cited clinical-significance assessments for this variant to ClinVar after 2014, and both submitters classified the variant as uncertain significance. Based on the evidence outlined above, the variant was classified as uncertain significance.

Literature cited by the submitters: PubMed 29470806 (cited by 3 submitters); PubMed 35534704 (cited by Labcorp Genetics (formerly Invitae), Labcorp).

NM_058216.3(RAD51C):c.892G>C (p.Val298Leu)

Gene: RAD51C (RAD51 paralog C; plus strand). Cytogenetic location: 17q22.
Variant type: single nucleotide variant.
Coding change: c.892G>C on transcript NM_058216.3 (MANE Select); coding-DNA position 892, G replaced by C.
Protein change: p.Val298Leu; replaces valine 298 with leucine.
Molecular consequence: missense variant. On other transcripts: non-coding transcript variant (1).
Genome position (GRCh38, 1-based): chr17:58,720,800, G>C. VCF-style: chr17-58720800-G-C. GRCh37 (hg19) VCF-style: chr17-56798161-G-C.
Other names: short protein forms V298L.
Identifiers: ClinVar variation 484758 (VCV000484758.16), dbSNP rs1555602145, ClinGen allele CA400359755.